The following is an entry in ClinVar:

NM_001005242.3(PKP2):c.1211dup (p.Val406fs)

Gene: PKP2 (plakophilin 2; minus strand). Cytogenetic location: 12p11.21.
Variant type: Duplication.
Coding change: c.1211dup on transcript NM_001005242.3 (MANE Select); coding-DNA position 1211, one base duplicated (T; older notation c.1211dupT).
Protein change: p.Val406fs; shifts the reading frame from valine 406.
Molecular consequence: frameshift variant.
Genome position (GRCh38, 1-based): chr12:32,850,933, A duplicated on the plus strand (T on the coding strand, the reverse complement: PKP2 is on the minus strand). VCF-style (leftmost placement, unchanged base first): chr12-32850932-T-TA. GRCh37 (hg19) VCF-style: chr12-33003866-T-TA.
Other names: p.Val406fs; c.1211dupT (NM_004572.3); c.1211dup, p.Val406fs (NM_004572.4); short protein forms V406fs.
Identifiers: ClinVar variation 45015 (VCV000045015.57), dbSNP rs397516989, ClinGen allele CA010901.

ClinVar aggregate classification (germline): Pathogenic. Review status: criteria provided, multiple submitters, no conflicts (2 of 4 stars). 12 submissions from 12 submitters: Pathogenic (8). 4 of the submissions do not count toward it. Last evaluated 2026-10-01.

Conditions:
Cardiac arrhythmia. Also called: Cardiac rhythm disease; Arrhythmia. Identifiers: MedGen C0003811, MONDO:0007263, HP:0011675.
Cardiovascular phenotype. Identifiers: MedGen CN230736.
Arrhythmogenic right ventricular cardiomyopathy (ARVD). Also called: Arrhythmogenic Right Ventricular Cardiomyopathy (ARVC); Cardiomyopathy, ARVC; Arrhythmogenic right ventricular dysplasia; Arrhythmogenic cardiomyopathy. Identifiers: Orphanet 247, MedGen C0349788, MeSH D019571, MONDO:0016587. Disease mechanism: loss of function. Inheritance: Various modes of inheritance.
Cardiomyopathy (CMYO). Also called: Cardiomyopathies. Identifiers: Orphanet 167848, MedGen C0878544, MONDO:0004994, HP:0001638. Inheritance: Various modes of inheritance.
Arrhythmogenic right ventricular dysplasia 9 (ARVD9). Also called: Arrhythmogenic Right Ventricular Dysplasia/Cardiomyopathy 9; ARRHYTHMOGENIC RIGHT VENTRICULAR DYSPLASIA, FAMILIAL, 9. Identifiers: MedGen C1836906, MONDO:0012180, OMIM 609040.

Allele frequency attached by ClinVar (database versions not stated): gnomAD exomes below 0.00001.

Submissions (12):

CeGaT Center for Human Genetics Tuebingen
Classification: Pathogenic. Last evaluated: 2026-10-01. Review status: criteria provided, single submitter. Criteria: CeGaT Center For Human Genetics Tuebingen Variant Classification Criteria Version 2. Collection method: clinical testing. Allele origin: germline. Affected: yes. Observed: 3 variant alleles.
Comment: PKP2: PVS1, PM2, PS4:Moderate

Labcorp Genetics (formerly Invitae), Labcorp
Classification: Pathogenic for Arrhythmogenic right ventricular dysplasia 9. Last evaluated: 2025-08-21. Review status: criteria provided, single submitter. Criteria: Invitae Variant Classification Sherloc (09022015). Collection method: clinical testing. Allele origin: germline.
Comment: This sequence change creates a premature translational stop signal (p.Val406Serfs*4) in the PKP2 gene. It is expected to result in an absent or disrupted protein product. Loss-of-function variants in PKP2 are known to be pathogenic (PMID: 15489853, 17041889, 23911551). This variant is not present in population databases (gnomAD no frequency). This premature translational stop signal has been observed in individuals with arrhythmogenic rightventricular dysplasia/cardiomyopathy and arrhythmogenic right ventricular dysplasia/cardiomyopathy (PMID: 16567567, 23871674, 27532257). It has also been observed to segregate with disease in related individuals. This variant is also known as 1211–1212insT (Val406SerfsX3) and c.1211dup p.(Val406fs). ClinVar contains an entry for this variant (Variation ID: 45015). For these reasons, this variant has been classified as Pathogenic.

Color Diagnostics, LLC DBA Color Health
Classification: Pathogenic for Cardiomyopathy. Last evaluated: 2025-03-17. Review status: criteria provided, single submitter. Criteria: ACMG Guidelines, 2015. Collection method: clinical testing. Allele origin: germline.
Comment: This variant inserts 1 nucleotide in exon 5 of the PKP2 gene, creating a frameshift and premature translation stop signal. This variant is expected to result in an absent or non-functional protein product. This variant has been reported in over sixty individuals affected with arrhythmogenic right ventricular cardiomyopathy and is reported as a Dutch founder mutation (e.g., PMID: 20031616, 23871674, 27532257, 37505369). A study of 106 heterozygous carriers has shown that this variant is associated with typical arrhythmogenic right ventricular cardiomyopathy, as well as milder left ventricular involvement (PMID: 37505369). About 44% of the carriers were diagnosed with arrhythmogenic cardiomyopathy, at a mean age of 41 years (PMID: 37505369). This variant has not been identified in the general population by the Genome Aggregation Database (gnomAD). Loss of PKP2 function is a known mechanism of disease. Based on the available evidence, this variant is classified as Pathogenic.

Ambry Genetics
Classification: Pathogenic for Cardiovascular phenotype. Last evaluated: 2023-03-29. Review status: criteria provided, single submitter. Criteria: Ambry Variant Classification Scheme 2023. Collection method: clinical testing. Allele origin: germline.
Comment: The c.1211dupT pathogenic mutation, located in coding exon 5 of the PKP2 gene, results from a duplication of T at nucleotide position 1211, causing a translational frameshift with a predicted alternate stop codon (p.V406Sfs*4). This alteration has been reported in subjects with arrhythmogenic right ventricular cardiomyopathy (ARVC) (van Tintelen JP et al. Circulation, 2006 Apr;113:1650-8; Xu T et al. J. Am. Coll. Cardiol., 2010 Feb;55:587-97; Walsh R et al. Genet. Med., 2017 02;19:192-203). This variant is considered to be rare based on population cohorts in the Genome Aggregation Database (gnomAD). In addition to the clinical data presented in the literature, this alteration is expected to result in loss of function by premature protein truncation or nonsense-mediated mRNA decay. As such, this alteration is interpreted as a disease-causing mutation.

MGZ Medical Genetics Center
Classification: Pathogenic for Arrhythmogenic right ventricular dysplasia 9. Last evaluated: 2021-12-28. Review status: criteria provided, single submitter. Criteria: ACMG Guidelines, 2015. Collection method: clinical testing. Allele origin: germline. Affected: yes. Observed: 2 variant alleles.
Comment: ACMG criteria applied: PVS1, PM2_SUP, PP1

Laboratory for Molecular Medicine, Mass General Brigham Personalized Medicine
Classification: Pathogenic for Arrhythmogenic right ventricular cardiomyopathy. Last evaluated: 2019-01-18. Review status: criteria provided, single submitter. Criteria: LMM Criteria. Collection method: clinical testing. Allele origin: germline. Observed: 11 variant alleles.
Comment: The p.Val406SerfsX4 variant in PKP2 has been identified in >15 individuals with ARVC, the majority of whom were Dutch (van Tintelen 2006, Groeneweg 2013, Orgero n 2017, Proost 2017, Walsh 2017, LMM data). It was also identified in the homozy gous state in 2 siblings with hypoplastic left heart syndrome (Verhagen 2018). I t was absent from large population studies. This variant is predicted to cause a frameshift, which alters the protein?s amino acid sequence beginning at positio n 406 and leads to a premature termination codon 4 amino acids downstream. This alteration is then predicted to lead to a truncated or absent protein. Loss of f unction of the PKP2 gene is an established disease mechanism in autosomal domina nt ARVC. In summary, this variant meets criteria to be classified as pathogenic for autosomal dominant ARVC. ACMG/AMP criteria applied: PVS1, PS4, PM2.

Women's Health and Genetics/Laboratory Corporation of America, LabCorp
Classification: Pathogenic for Arrhythmia. Last evaluated: 2017-11-15. Review status: criteria provided, single submitter. Criteria: LabCorp Variant Classification Summary - May 2015. Collection method: clinical testing. Allele origin: germline.
Comment: Variant summary: The PKP2 c.1211dupT (p.Val406SerfsX4) variant results in a premature termination codon, predicted to cause a truncated or absent PKP2 protein due to nonsense mediated decay, which are commonly known mechanisms for disease. Truncations downstream of this position have been classified as pathogenic by our laboratory (e.g. c.1613G>A/ p.Trp538X). One in silico tool predicts a damaging outcome for this variant. This variant is absent in 246050 control chromosomes. This variant has been reported in multiple confirmed ARVD patients, some of whom have a strong family history. Taken together, this variant is classified as pathogenic.

Clinical Genetics DNA and cytogenetics Diagnostics Lab, Erasmus MC, Erasmus Medical Center
Classification: Pathogenic for Arrhythmogenic right ventricular dysplasia 9. Last evaluated: 2015-09-21. Review status: criteria provided, single submitter. Criteria: ACGS Guidelines, 2013. Collection method: clinical testing. Allele origin: germline. Affected: yes. Study: VKGL Data-share Consensus.

Clinical Genetics, Academic Medical Center
Classification: Pathogenic. Review status: no assertion criteria provided. Collection method: clinical testing. Allele origin: germline. Affected: yes. Study: VKGL Data-share Consensus. Not counted in ClinVar's aggregate classification.

Diagnostic Laboratory, Department of Genetics, University Medical Center Groningen
Classification: Pathogenic for Arrhythmogenic right ventricular dysplasia 9. Review status: no assertion criteria provided. Collection method: clinical testing. Allele origin: germline. Affected: yes. Study: VKGL Data-share Consensus. Not counted in ClinVar's aggregate classification.

Genome Diagnostics Laboratory, University Medical Center Utrecht
Classification: Pathogenic. Review status: no assertion criteria provided. Collection method: clinical testing. Allele origin: germline. Affected: yes. Study: VKGL Data-share Consensus. Not counted in ClinVar's aggregate classification.

Joint Genome Diagnostic Labs from Nijmegen and Maastricht, Radboudumc and MUMC+
Classification: Pathogenic. Review status: no assertion criteria provided. Collection method: clinical testing. Allele origin: germline. Affected: yes. Study: VKGL Data-share Consensus. Not counted in ClinVar's aggregate classification.

Literature cited by the submitters: PubMed 15489853 (cited by Labcorp Genetics (formerly Invitae), Labcorp); PubMed 17041889 (cited by Labcorp Genetics (formerly Invitae), Labcorp); PubMed 23911551 (cited by Labcorp Genetics (formerly Invitae), Labcorp); PubMed 16567567 (cited by 4 submitters); PubMed 23871674 (cited by Labcorp Genetics (formerly Invitae), Labcorp and Laboratory for Molecular Medicine, Mass General Brigham Personalized Medicine); PubMed 27532257 (cited by 4 submitters); PubMed 37505369 (cited by Color Diagnostics, LLC DBA Color Health); PubMed 20031616 (cited by Ambry Genetics and Women's Health and Genetics/Laboratory Corporation of America, LabCorp); PubMed 20152563 (cited by Ambry Genetics and Women's Health and Genetics/Laboratory Corporation of America, LabCorp); PubMed 28341588 (cited by Ambry Genetics and Laboratory for Molecular Medicine, Mass General Brigham Personalized Medicine); PubMed 28588093 (cited by Ambry Genetics and Laboratory for Molecular Medicine, Mass General Brigham Personalized Medicine); PubMed 30562116 (cited by Ambry Genetics and Laboratory for Molecular Medicine, Mass General Brigham Personalized Medicine); PubMed 20197793 (cited by Women's Health and Genetics/Laboratory Corporation of America, LabCorp).